The following is an entry in ClinVar:

ClinVar aggregate classification (germline): Likely benign (1 of 4 stars; one submission).

Conditions:
Epidermodysplasia verruciformis. Identifiers: Orphanet 302, MedGen C0014522, MONDO:0009176.
Epidermodysplasia verruciformis, susceptibility to, 1. Identifiers: Orphanet 302, MedGen C4722564, MONDO:0100045, OMIM 226400.

Allele frequency attached by ClinVar (database versions not stated): gnomAD 0.00001; ExAC 0.00002; gnomAD exomes 0.00002; TOPMed 0.00002.
gnomAD v4.1: 83 of 1,599,372 alleles (0.0052%); highest among the groups gnomAD compares: Non-Finnish European, 0.0065%; no homozygotes.

Submission:

Labcorp Genetics (formerly Invitae), Labcorp
Classification: Likely benign for Epidermodysplasia verruciformis. Last evaluated: 2025-03-16. Review status: criteria provided, single submitter. Criteria: Invitae Variant Classification Sherloc (09022015). Collection method: clinical testing. Allele origin: germline.

NM_152468.5(TMC8):c.2085C>A (p.Val695=)

Gene: TMC8 (transmembrane channel like 8; plus strand). Cytogenetic location: 17q25.3.
Variant type: single nucleotide variant.
Coding change: c.2085C>A on transcript NM_152468.5 (MANE Select); coding-DNA position 2085, C replaced by A.
Protein change: p.Val695=; no amino-acid change (valine 695 retained).
Molecular consequence: synonymous variant.
Genome position (GRCh38, 1-based): chr17:78,141,016, C>A. VCF-style: chr17-78141016-C-A. GRCh37 (hg19) VCF-style: chr17-76137097-C-A.
Other names: c.2085C>A (NM_152468.4).
Identifiers: ClinVar variation 1051084 (VCV001051084.11), dbSNP rs746193490, ClinGen allele CA8797126.